The following is an entry in ClinVar:

NM_001005361.3(DNM2):c.996G>C (p.Met332Ile)

Gene: DNM2 (dynamin 2; plus strand). Cytogenetic location: 19p13.2.
Variant type: single nucleotide variant.
Coding change: c.996G>C on transcript NM_001005361.3 (MANE Select); coding-DNA position 996, G replaced by C.
Protein change: p.Met332Ile; replaces methionine 332 with isoleucine.
Molecular consequence: missense variant.
Genome position (GRCh38, 1-based): chr19:10,793,723, G>C. VCF-style: chr19-10793723-G-C. GRCh37 (hg19) VCF-style: chr19-10904399-G-C.
Other names: c.996G>C, p.Met332Ile (NM_001005360.3, NM_001005362.3, NM_001190716.2 and 1 more transcripts); short protein forms M332I.
Identifiers: ClinVar variation 4795856 (VCV004795856.1).

ClinVar aggregate classification (germline): VUS-high (1 of 4 stars; one submission).

Conditions:
Charcot-Marie-Tooth disease dominant intermediate B (CMTDIB). Also called: Charcot-Marie-Tooth disease dominant intermediate 1; CMT DI1; Charcot-Marie-Tooth disease dominant intermediate I; CHARCOT-MARIE-TOOTH NEUROPATHY, DOMINANT INTERMEDIATE B. Identifiers: Orphanet 100044, Orphanet 228179, MedGen C1847902, MONDO:0011674, OMIM 606482.

Submission:

Genetic Diseases Diagnostic Center, Koc University Hospital
Classification: VUS-high for Charcot-Marie-Tooth disease dominant intermediate B. Last evaluated: 2026-01-31. Review status: criteria provided, single submitter. Criteria: ACMG Guidelines, 2015. Collection method: clinical testing. Allele origin: germline. Inheritance: Autosomal dominant inheritance. Affected: yes.
Comment: This variant causes an amino acid change from Met to Ile which are both nonpolar amino acids. In silico prediction tools predict conflicting results (MutationTaster and SIFT predict a deleterious effect while PolyPhen-2 predicts a possibly damaging effect). It has not been reported in gnomAD population database (PM2). This variant is in a mutational hot spot, and missense mutation is a common mechanism of disease for the DNM2-related phenotype (PMID: 34595679) (PM1, PP2). This variant co-segregated with the disease in a family with two affected induviduals (internal data). Based on the information above, this variant is classified as “VUS-high” according to the ACMG/AMP criteria.

Literature cited by the submitters: PubMed 34595679.